The following is an entry in ClinVar:

ClinVar aggregate classification (germline): Benign/Likely benign. Review status: criteria provided, multiple submitters, no conflicts (2 of 4 stars). 5 submissions from 5 submitters: Benign (1); Likely benign (4). Last evaluated 2026-09-01.

Conditions:
Muscular dystrophy-dystroglycanopathy (congenital with brain and eye anomalies), type a, 8 (MDDGA8). Also called: WALKER-WARBURG SYNDROME OR MUSCLE-EYE-BRAIN DISEASE, GTDC2-RELATED. Identifiers: Orphanet 899, MedGen C3553813, MONDO:0013904, OMIM 614830.

Allele frequency attached by ClinVar (database versions not stated): gnomAD exomes 0.00015 and 0.00043; ExAC 0.00054; gnomAD 0.00173 and 0.00186; 1000 Genomes Project 0.00180; ESP Exome Variant Server 0.00192; TOPMed 0.00199; 1000 Genomes Project 30x 0.00203.
gnomAD v4.1: 489 of 1,614,180 alleles (0.03%); highest among the groups gnomAD compares: African/African-American, 0.6%; no homozygotes.

Submissions (5):

CeGaT Center for Human Genetics Tuebingen
Classification: Likely benign. Last evaluated: 2026-09-01. Review status: criteria provided, single submitter. Criteria: CeGaT Center For Human Genetics Tuebingen Variant Classification Criteria Version 2. Collection method: clinical testing. Allele origin: germline. Affected: yes. Observed: 1 variant allele.
Comment: POMGNT2: BP4, BP7

Labcorp Genetics (formerly Invitae), Labcorp
Classification: Benign for Muscular dystrophy-dystroglycanopathy (congenital with brain and eye anomalies), type a, 8. Last evaluated: 2026-01-26. Review status: criteria provided, single submitter. Criteria: Invitae Variant Classification Sherloc (09022015). Collection method: clinical testing. Allele origin: germline.

Blueprint Genetics
Classification: Likely benign. Last evaluated: 2024-06-05. Review status: criteria provided, single submitter. Criteria: ACMG Guidelines, 2015. Collection method: clinical testing. Allele origin: germline.

GeneDx
Classification: Likely benign. Last evaluated: 2020-06-05. Review status: criteria provided, single submitter. Criteria: GeneDx Variant Classification Process June 2021. Collection method: clinical testing. Allele origin: germline. Affected: yes.

PreventionGenetics, part of Exact Sciences
Classification: Likely benign. Review status: criteria provided, single submitter. Criteria: ACMG Guidelines, 2015. Collection method: clinical testing. Allele origin: germline.

NM_032806.6(POMGNT2):c.966C>G (p.Ser322=)

Gene: POMGNT2 (protein O-linked mannose N-acetylglucosaminyltransferase 2 (beta 1,4-); minus strand). Cytogenetic location: 3p22.1.
Variant type: single nucleotide variant.
Coding change: c.966C>G on transcript NM_032806.6 (MANE Select); coding-DNA position 966, C replaced by G.
Protein change: p.Ser322=; no amino-acid change (serine 322 retained).
Molecular consequence: synonymous variant.
Genome position (GRCh38, 1-based): chr3:43,080,466, G>C on the plus strand (C>G on the coding strand, the complement: POMGNT2 is on the minus strand). VCF-style: chr3-43080466-G-C. GRCh37 (hg19) VCF-style: chr3-43121958-G-C.
Identifiers: ClinVar variation 262109 (VCV000262109.16), dbSNP rs141319921, ClinGen allele CA2339958.